The following is an entry in ClinVar:

NM_006031.6(PCNT):c.9628C>T (p.Arg3210Cys)

Gene: PCNT (pericentrin; plus strand). Cytogenetic location: 21q22.3.
Variant type: single nucleotide variant.
Coding change: c.9628C>T on transcript NM_006031.6 (MANE Select); coding-DNA position 9628, C replaced by T.
Protein change: p.Arg3210Cys; replaces arginine 3210 with cysteine.
Molecular consequence: missense variant.
Genome position (GRCh38, 1-based): chr21:46,442,501, C>T. VCF-style: chr21-46442501-C-T. GRCh37 (hg19) VCF-style: chr21-47862414-C-T.
Other names: c.9037C>T, p.Arg3013Cys (NM_001315529.2); short protein forms R3013C, R3210C.
Identifiers: ClinVar variation 894868 (VCV000894868.9), dbSNP rs374027088, ClinGen allele CA10081401.

ClinVar aggregate classification (germline): Uncertain significance. Review status: criteria provided, multiple submitters, no conflicts (2 of 4 stars). 3 submissions from 3 submitters: Uncertain significance (3). Last evaluated 2026-08-19.

Conditions:
PCNT-related disorder. Also called: PCNT-related condition.
Microcephalic osteodysplastic primordial dwarfism type II (MOPD2). Also called: Microcephalic osteodysplastic primordial dwarfism with tooth abnormalities; MOPD II; OSTEODYSPLASTIC PRIMORDIAL DWARFISM, TYPE II. Identifiers: Orphanet 2637, MedGen C0432246, MONDO:0008872, OMIM 210720.

Allele frequency attached by ClinVar (database versions not stated): gnomAD 0.00001 and 0.00002; gnomAD exomes 0.00001 and 0.00004; TOPMed 0.00002; ExAC 0.00005; ESP Exome Variant Server 0.00008; 1000 Genomes Project 30x 0.00016; 1000 Genomes Project 0.00020.
gnomAD v4.1: 23 of 1,602,260 alleles (0.0014%); highest among the groups gnomAD compares: East Asian, 0.0067%; no homozygotes.

Submissions (3):

PreventionGenetics, part of Exact Sciences
Classification: Uncertain significance for PCNT-related condition. Last evaluated: 2026-08-19. Review status: criteria provided, single submitter. Criteria: ACMG Guidelines, 2015. Collection method: clinical testing. Allele origin: germline.
Comment: The PCNT c.9628C>T variant is predicted to result in the amino acid substitution p.Arg3210Cys. To our knowledge, this variant has not been reported in the literature. This variant is reported in 0.033% of alleles in individuals of East Asian descent in gnomAD. At this time, the clinical significance of this variant is uncertain due to the absence of conclusive functional and genetic evidence.

Labcorp Genetics (formerly Invitae), Labcorp
Classification: Uncertain significance. Last evaluated: 2021-09-24. Review status: criteria provided, single submitter. Criteria: Invitae Variant Classification Sherloc (09022015). Collection method: clinical testing. Allele origin: germline.
Comment: This sequence change replaces arginine with cysteine at codon 3210 of the PCNT protein (p.Arg3210Cys). The arginine residue is moderately conserved and there is a large physicochemical difference between arginine and cysteine. This variant is present in population databases (rs374027088, ExAC 0.04%). This variant has not been reported in the literature in individuals with PCNT-related conditions. ClinVar contains an entry for this variant (Variation ID: 894868). Algorithms developed to predict the effect of missense changes on protein structure and function are either unavailable or do not agree on the potential impact of this missense change (SIFT: "Deleterious"; PolyPhen-2: "Probably Damaging"; Align-GVGD: "Class C0"). In summary, the available evidence is currently insufficient to determine the role of this variant in disease. Therefore, it has been classified as a Variant of Uncertain Significance.

Illumina Laboratory Services, Illumina
Classification: Uncertain significance for Microcephalic osteodysplastic primordial dwarfism type II. Last evaluated: 2018-01-13. Review status: criteria provided, single submitter. Criteria: ICSL Variant Classification Criteria 13 December 2019. Collection method: clinical testing. Allele origin: germline.